The following is an entry in ClinVar:

NM_003119.4(SPG7):c.2299C>G (p.Gln767Glu)

Gene: SPG7 (SPG7 matrix AAA peptidase subunit, paraplegin; plus strand). Cytogenetic location: 16q24.3.
Variant type: single nucleotide variant.
Coding change: c.2299C>G on transcript NM_003119.4 (MANE Select); coding-DNA position 2299, C replaced by G.
Protein change: p.Gln767Glu; replaces glutamine 767 with glutamic acid.
Molecular consequence: missense variant. On other transcripts: 3 prime UTR variant (1).
Genome position (GRCh38, 1-based): chr16:89,557,004, C>G. VCF-style: chr16-89557004-C-G. GRCh37 (hg19) VCF-style: chr16-89623412-C-G.
Other names: c.*77C>G (NM_001363850.1); short protein forms Q767E.
Identifiers: ClinVar variation 4750191 (VCV004750191.1).

ClinVar aggregate classification (germline): Uncertain significance (1 of 4 stars; one submission).

Conditions:
Hereditary spastic paraplegia 7 (SPG7). Also called: SPASTIC PARAPLEGIA 7, AUTOSOMAL RECESSIVE, WITH OR WITHOUT CEREBELLAR ATAXIA; SPG7-related neurologic disorder; Spastic paraplegia 7; Hereditary spastic paraplegia Paraplegin type; Autosomal recessive spastic paraplegia type 7. Identifiers: Orphanet 99013, MedGen C1846564, MONDO:0011803, OMIM 607259.

gnomAD v4.1: 2 of 1,613,862 alleles (0.00012%); highest among the groups gnomAD compares: Admixed American, 0.0033%; no homozygotes.

Submission:

Labcorp Genetics (formerly Invitae), Labcorp
Classification: Uncertain significance for Hereditary spastic paraplegia 7. Last evaluated: 2025-07-01. Review status: criteria provided, single submitter. Criteria: Invitae Variant Classification Sherloc (09022015). Collection method: clinical testing. Allele origin: germline.
Comment: This sequence change replaces glutamine, which is neutral and polar, with glutamic acid, which is acidic and polar, at codon 767 of the SPG7 protein (p.Gln767Glu). This variant is not present in population databases (gnomAD no frequency). This variant has not been reported in the literature in individuals affected with SPG7-related conditions. An algorithm developed to predict the effect of missense changes on protein structure and function outputs the following: PolyPhen-2: "Benign". The glutamic acid amino acid residue is found in multiple mammalian species, which suggests that this missense change does not adversely affect protein function. In summary, the available evidence is currently insufficient to determine the role of this variant in disease. Therefore, it has been classified as a Variant of Uncertain Significance.